The following is an entry in ClinVar:

ClinVar aggregate classification (germline): Likely benign (1 of 4 stars; one submission).

Conditions:
Left-right axis malformations. Identifiers: MedGen C1866091.

Allele frequency attached by ClinVar (database versions not stated): gnomAD exomes 0.00221; gnomAD 0.03825 and 0.04106; 1000 Genomes Project 0.04333; TOPMed 0.04342; 1000 Genomes Project 30x 0.04466.
gnomAD v4.1: 5,801 of 168,312 alleles (3.4%); highest among the groups gnomAD compares: African/African-American, 13%; 370 homozygotes.

Submission:

Illumina Laboratory Services, Illumina
Classification: Likely benign for Left-right axis malformations. Last evaluated: 2017-04-27. Review status: criteria provided, single submitter. Criteria: ICSL Variant Classification Criteria 13 December 2019. Collection method: clinical testing. Allele origin: germline.
Comment: This variant was observed as part of a predisposition screen in an ostensibly healthy population. A literature search was performed for the gene, cDNA change, and amino acid change (where applicable). No publications were found based on this search. Allele frequency data from public databases allowed determination this variant is unlikely to cause disease. Therefore, this variant is classified as likely benign.

NM_003240.5(LEFTY2):c.*496T>G

Gene: LEFTY2 (left-right determination factor 2; minus strand). Cytogenetic location: 1q42.12.
Variant type: single nucleotide variant.
Coding change: c.*496T>G on transcript NM_003240.5 (MANE Select); 496 bases downstream of the stop codon, T replaced by G.
Molecular consequence: 3 prime UTR variant.
Genome position (GRCh38, 1-based): chr1:225,936,945, A>C on the plus strand (T>G on the coding strand, the complement: LEFTY2 is on the minus strand). VCF-style: chr1-225936945-A-C. GRCh37 (hg19) VCF-style: chr1-226124645-A-C.
Other names: c.*496T>G (NM_001172425.3).
Identifiers: ClinVar variation 295962 (VCV000295962.5), dbSNP rs6697182, ClinGen allele CA10609250.
Genomic context (GRCh38, chr1:225,936,945, plus strand): 5'-TAGCTTGTGGCCCTGTCAGAACCAGAATCCAGGTATCCCAATTCCCTGTCCACTGCCCCC[A>C]GCCTGAAGCCCTTCATCCTTCCTCTTAGCACCCTCTCAGGGGAACAGGGGCCTAGGTATG-3'